The following is an entry in ClinVar:

NM_052867.4(NALCN):c.1764+6T>G

Gene: NALCN (sodium leak channel, non-selective; minus strand). Cytogenetic location: 13q33.1.
Variant type: single nucleotide variant.
Coding change: c.1764+6T>G on transcript NM_052867.4 (MANE Select); 6 bases into the intron after coding-DNA position 1764, T replaced by G.
Molecular consequence: intron variant.
Genome position (GRCh38, 1-based): chr13:101,191,911, A>C on the plus strand (T>G on the coding strand, the complement: NALCN is on the minus strand). VCF-style: chr13-101191911-A-C. GRCh37 (hg19) VCF-style: chr13-101844262-A-C.
Other names: c.1677+6T>G (NM_001350751.2, NM_001350750.2); c.1764+6T>G (NM_001350749.2, NM_001350748.2).
Identifiers: ClinVar variation 1338403 (VCV001338403.5), dbSNP rs2039697770, ClinGen allele CA959537123.
Genomic context (GRCh38, chr13:101,191,911, plus strand): 5'-ATATCTGTTGATGTTCATCCCATTATAAATTCCAAGATATAATTGAAAAAAAAATGCTGA[A>C]CTCACCAGAGTGGCAAAAAGATGATAGAGAATGAAATAGATGGCAACCACGGGTGCCCAC-3'

ClinVar aggregate classification (germline): Uncertain significance. Review status: criteria provided, multiple submitters, no conflicts (2 of 4 stars). 2 submissions from 2 submitters: Uncertain significance (2). Last evaluated 2023-01-11.

Allele frequency attached by ClinVar (database versions not stated): gnomAD exomes below 0.00001; TOPMed below 0.00001; gnomAD 0.00001.
gnomAD v4.1: 4 of 1,606,116 alleles (0.00025%); highest among the groups gnomAD compares: Non-Finnish European, 0.00034%; no homozygotes.

Submissions (2):

GeneDx
Classification: Uncertain significance. Last evaluated: 2023-01-11. Review status: criteria provided, single submitter. Criteria: GeneDx Variant Classification Process June 2021. Collection method: clinical testing. Allele origin: germline. Affected: yes.
Comment: Not observed at significant frequency in large population cohorts (gnomAD); In silico analysis supports a deleterious effect on splicing; Has not been previously published as pathogenic or benign to our knowledge

Genetic Services Laboratory, University of Chicago
Classification: Uncertain significance. Last evaluated: 2018-04-26. Review status: criteria provided, single submitter. Criteria: ACMG Guidelines, 2015. Collection method: clinical testing. Allele origin: germline. Affected: no.